The following is an entry in ClinVar:

NM_016203.4(PRKAG2):c.876CTT[1] (p.Phe294del)

Gene: PRKAG2 (protein kinase AMP-activated non-catalytic subunit gamma 2; minus strand). Cytogenetic location: 7q36.1.
Variant type: Microsatellite.
Coding change: c.876CTT[1] on transcript NM_016203.4 (MANE Select); one copy of the 3-base unit CTT starting at c.876; the reference has two copies in a row; one copy, 3 bases deleted.
Protein change: p.Phe294del; deletes phenylalanine 294.
Molecular consequence: inframe deletion. On other transcripts: inframe indel (19).
Genome position (GRCh38, 1-based): chr7:151,576,436-151,576,438, AAG deleted on the plus strand (CTT on the coding strand, the reverse complement: PRKAG2 is on the minus strand); deleting any 3 consecutive bases within chr7:151,576,436-151,576,441 gives the same sequence; the position shown is the placement nearest the transcript's 3' end. VCF-style (leftmost placement, unchanged base first): chr7-151576435-AAAG-A. GRCh37 (hg19) VCF-style: chr7-151273521-AAAG-A.
Other names: c.744CTT[1], p.Phe250del (NM_001040633.2); c.501CTT[1], p.Phe169del (NM_001304527.2); c.153CTT[1], p.Phe53del (NM_001304531.2, NM_024429.2); c.504CTT[1], p.Phe170del (NM_001363698.2); c.876_878CTT[1], p.Phe294del (NM_001407021.1); c.873_875CTT[1], p.Phe293del (NM_001407022.1, NM_001407023.1); c.744_746CTT[1], p.Phe250del (NM_001407024.1); c.741_743CTT[1], p.Phe249del (NM_001407026.1, NM_001407027.1); and 10 more; short protein forms F249del, F294del, F52del, F73del, F186del, F250del, F293del, F169del.
Identifiers: ClinVar variation 1764667 (VCV001764667.2), dbSNP rs2536413959, ClinGen allele CA2580614289.

ClinVar aggregate classification (germline): Uncertain significance (1 of 4 stars; one submission).

Conditions:
Cardiovascular phenotype. Identifiers: MedGen CN230736.

Submission:

Ambry Genetics
Classification: Uncertain significance for Cardiovascular phenotype. Last evaluated: 2019-10-04. Review status: criteria provided, single submitter. Criteria: Ambry Variant Classification Scheme 2023. Collection method: clinical testing. Allele origin: germline.
Comment: The c.879_881delCTT variant (also known as p.F294del) is located in coding exon 7 of the PRKAG2 gene. This variant results from an in-frame CTT deletion at nucleotide positions 879 to 881. This results in the in-frame deletion of a phenylalanine at codon 294. This amino acid position is highly conserved in available vertebrate species. In addition, this alteration is predicted to be deleterious by in silico analysis (Choi Y et al. PLoS ONE. 2012; 7(10):e46688). Since supporting evidence is limited at this time, the clinical significance of this alteration remains unclear.